The following is an entry in ClinVar:

NM_001378969.1(KCND3):c.1348C>T (p.Leu450Phe)

Gene: KCND3 (potassium voltage-gated channel subfamily D member 3; minus strand). Cytogenetic location: 1p13.2.
Variant type: single nucleotide variant.
Coding change: c.1348C>T on transcript NM_001378969.1 (MANE Select); coding-DNA position 1348, C replaced by T.
Protein change: p.Leu450Phe; replaces leucine 450 with phenylalanine.
Molecular consequence: missense variant.
Genome position (GRCh38, 1-based): chr1:111,780,713, G>A on the plus strand (C>T on the coding strand, the complement: KCND3 is on the minus strand). VCF-style: chr1-111780713-G-A. GRCh37 (hg19) VCF-style: chr1-112323335-G-A.
Other names: NM_001378970.1:c.1348C>T; NM_004980.5:c.1348C>T; NM_172198.3:c.1348C>T; c.1348C>T, p.Leu450Phe (NM_001378970.1, NM_004980.5, NM_172198.3); short protein forms L450F.
Identifiers: ClinVar variation 192253 (VCV000192253.70), dbSNP rs150401343, ClinGen allele CA200129.

ClinVar aggregate classification (germline): Conflicting classifications of pathogenicity. Review status: criteria provided, conflicting classifications (1 of 4 stars). 14 submissions from 14 submitters: Likely pathogenic (3); Uncertain significance (3); Likely benign (6). 2 of the submissions do not count toward it. Last evaluated 2025-11-03.

Conditions:
Cardiovascular phenotype. Identifiers: MedGen CN230736.
Brugada syndrome 9 (BRGDA9). Identifiers: Orphanet 130, MedGen C4225340, MONDO:0014621, OMIM 616399.
Brugada syndrome. Also called: Sudden unexplained nocturnal death syndrome; Sudden Unexplained Death Syndrome; Sudden Unexplained Nocturnal Death Syndrome (SUNDS); Sudden unexpected nocturnal death syndrome. Identifiers: Orphanet 130, MedGen C1142166, MONDO:0015263.
Spinocerebellar ataxia type 19/22 (SCA19). Also called: SPINOCEREBELLAR ATAXIA 19; SPINOCEREBELLAR ATAXIA 22. Identifiers: Orphanet 98772, MedGen C1846367, MONDO:0011819, OMIM 607346.

Allele frequency attached by ClinVar (database versions not stated): gnomAD 0.00006; TOPMed 0.00007; gnomAD exomes 0.00008 and 0.00013; ExAC 0.00015.
gnomAD v4.1: 147 of 1,612,072 alleles (0.0091%); highest among the groups gnomAD compares: Middle Eastern, 0.46%; no homozygotes.

Submissions (14):

Labcorp Genetics (formerly Invitae), Labcorp
Classification: Likely benign for Spinocerebellar ataxia type 19/22. Last evaluated: 2025-11-03. Review status: criteria provided, single submitter. Criteria: Invitae Variant Classification Sherloc (09022015). Collection method: clinical testing. Allele origin: germline.

Department of Genetics and Molecular Biology, Isfahan University of Medical Sciences
Classification: Likely pathogenic for Brugada syndrome. Last evaluated: 2025-05-24. Review status: criteria provided, single submitter. Criteria: ACMG Guidelines, 2015. Collection method: clinical testing. Allele origin: germline. Affected: yes.
Comment: The variant c.1348C>T (p.Leu450Phe) in KCND3 is a missense change located in a critical and well-established functional domain (PM1), absent or at very low frequency in population databases (PM2), segregates with disease in family studies (PP1), occurs in a gene with a low rate of benign missense variation (PP2), and multiple computational lines of evidence support a deleterious effect (PP3). These criteria support a likely pathogenic classification.

KCND3 encodes a potassium voltage-gated channel subfamily D member 3, important in cardiac electrical activity. The variant leads to a leucine to phenylalanine substitution at amino acid 450 (L450F), which may disrupt channel function contributing to arrhythmogenic and cardiomyopathic phenotypes.

Mayo Clinic Laboratories, Mayo Clinic
Classification: Likely benign. Last evaluated: 2024-10-16. Review status: criteria provided, single submitter. Criteria: ACMG Guidelines, 2015. Collection method: clinical testing. Allele origin: germline. Observed: 2 variant alleles.
Comment: BS1, BS2

Blueprint Genetics
Classification: Likely benign. Last evaluated: 2024-10-03. Review status: criteria provided, single submitter. Criteria: ACMG Guidelines, 2015. Collection method: clinical testing. Allele origin: germline.

Ambry Genetics
Classification: Likely benign for Cardiovascular phenotype. Last evaluated: 2023-09-18. Review status: criteria provided, single submitter. Criteria: Ambry Variant Classification Scheme 2023. Collection method: clinical testing. Allele origin: germline.

CeGaT Center for Human Genetics Tuebingen
Classification: Likely benign. Last evaluated: 2023-01-01. Review status: criteria provided, single submitter. Criteria: CeGaT Center For Human Genetics Tuebingen Variant Classification Criteria Version 2. Collection method: clinical testing. Allele origin: germline. Affected: yes. Observed: 3 variant alleles.
Comment: KCND3: PP2, BS1

Department of Pathology and Laboratory Medicine, Sinai Health System
Classification: Uncertain significance for Spinocerebellar ataxia type 19/22. Last evaluated: 2022-12-14. Review status: criteria provided, single submitter. Criteria: ACMG Guidelines, 2015. Collection method: research. Allele origin: germline.

Mendelics
Classification: Uncertain significance. Last evaluated: 2022-05-04. Review status: criteria provided, single submitter. Criteria: Mendelics Assertion Criteria 2019. Collection method: clinical testing. Allele origin: germline.

GeneDx
Classification: Likely benign. Last evaluated: 2021-09-20. Review status: criteria provided, single submitter. Criteria: GeneDx Variant Classification Process June 2021. Collection method: clinical testing. Allele origin: germline. Affected: yes.
Comment: This variant is associated with the following publications: (PMID: 31130284, 26582918, 22284586, 30609406, 22840528, 21349352, 26016905, 29247119, 28444220, 30662450, 23963749, 30821013)

New York Genome Center
Classification: Uncertain significance for Spinocerebellar ataxia type 19/22. Last evaluated: 2021-04-10. Review status: criteria provided, single submitter. Criteria: NYGC Assertion Criteria 2020. Collection method: clinical testing. Allele origin: inherited. Observed: 1 heterozygote. Study: CSER-NYCKidSeq.

Genomic Research Center, Shahid Beheshti University of Medical Sciences
Classification: Likely pathogenic for Brugada syndrome 9. Last evaluated: 2017-12-03. Review status: criteria provided, single submitter. Criteria: ACMG Guidelines, 2015. Collection method: clinical testing. Allele origin: inherited. Affected: yes.

Genetic Services Laboratory, University of Chicago
Classification: Likely pathogenic for Brugada syndrome 9. Last evaluated: 2016-04-09. Review status: criteria provided, single submitter. Criteria: ACMG Guidelines, 2015. Collection method: clinical testing. Allele origin: germline. Affected: yes.

Genetics and Genomic Medicine Centre, NeuroGen Healthcare, NeuroGen Healthcare
Classification: Uncertain significance. Last evaluated: 2022-03-14. Review status: no assertion criteria provided. Collection method: clinical testing. Allele origin: unknown. Affected: yes. Not counted in ClinVar's aggregate classification.

OMIM
Classification: Pathogenic for BRUGADA SYNDROME 9. Last evaluated: 2011-07-01. Review status: no assertion criteria provided. Collection method: literature only. Allele origin: germline. Not counted in ClinVar's aggregate classification.

Literature cited by the submitters: PubMed 25863969 (cited by Department of Genetics and Molecular Biology, Isfahan University of Medical Sciences); PubMed 21349352 (cited by 3 submitters); PubMed 22284586 (cited by Mayo Clinic Laboratories, Mayo Clinic); PubMed 22840528 (cited by Mayo Clinic Laboratories, Mayo Clinic and Ambry Genetics); PubMed 23963749 (cited by Mayo Clinic Laboratories, Mayo Clinic); PubMed 26016905 (cited by 3 submitters); PubMed 28444220 (cited by Mayo Clinic Laboratories, Mayo Clinic); PubMed 29247119 (cited by Mayo Clinic Laboratories, Mayo Clinic); PubMed 30662450 (cited by Mayo Clinic Laboratories, Mayo Clinic); PubMed 30821013 (cited by Mayo Clinic Laboratories, Mayo Clinic); PubMed 31130284 (cited by Mayo Clinic Laboratories, Mayo Clinic and Ambry Genetics); PubMed 32709127 (cited by Mayo Clinic Laboratories, Mayo Clinic and Ambry Genetics); PubMed 34361012 (cited by Mayo Clinic Laboratories, Mayo Clinic); PubMed 34426522 (cited by Mayo Clinic Laboratories, Mayo Clinic); PubMed 35932045 (cited by Mayo Clinic Laboratories, Mayo Clinic and Ambry Genetics).